The following is an entry in ClinVar:

NM_000169.3(GLA):c.635_639+8del

Genes: GLA (galactosidase alpha; minus strand), RPL36A-HNRNPH2 (RPL36A-HNRNPH2 readthrough; plus strand). Cytogenetic location: Xq22.1.
Variant type: Deletion.
Coding change: c.635_639+8del on transcript NM_000169.3 (MANE Select); coding-DNA position 635 through 8 bases into the intron after coding-DNA position 639, 13 bases deleted (AAAAGGTGAGATA).
Molecular consequence: splice donor variant. On other transcripts: intron variant (2).
Genome position (GRCh38, 1-based): chrX:101,400,658-101,400,670, TATCTCACCTTTT deleted on the plus strand (AAAAGGTGAGATA on the coding strand, the reverse complement: GLA is on the minus strand). VCF-style (leftmost placement, unchanged base first): chrX-101400657-CTATCTCACCTTTT-C. GRCh37 (hg19) VCF-style: chrX-100655645-CTATCTCACCTTTT-C.
Other names: c.300+5201_300+5213del (NM_001199973.2); c.177+8836_177+8848del (NM_001199974.2); c.758_762+8del (NM_001406747.1); c.635_639+8del (NM_001406748.1).
Identifiers: ClinVar variation 4974901 (VCV004974901.1).

ClinVar aggregate classification (germline): Pathogenic (1 of 4 stars; one submission).

Conditions:
Fabry disease. Also called: Fabry's disease; ALPHA-GALACTOSIDASE A DEFICIENCY; ANDERSON-FABRY DISEASE; CERAMIDE TRIHEXOSIDASE DEFICIENCY; GLA DEFICIENCY; HEREDITARY DYSTOPIC LIPIDOSIS. Identifiers: Orphanet 324, MedGen C0002986, MONDO:0010526, OMIM 301500, HP:0001071. Disease mechanism: Fabry disease is due to inactivating mutations in the X-linked GLA gene resulting in deficiency of the enzyme Alpha Galactosidase-A., loss of function.

Submission:

Genomenon, Inc
Classification: Pathogenic for Fabry disease. Last evaluated: 2026-09-08. Review status: criteria provided, single submitter. Criteria: Genomenon Sequence Variant Interpretation Standards - Updated. Collection method: curation. Allele origin: germline. Affected: yes.
Comment: GLA c.635_639+8del is a deletion that affects the donor splice site of intron 4. It is predicted to affect mRNA splicing, leading to a deleterious effect on the GLA protein. This variant has been observed in at least one proband with clinical features consistent with Fabry disease (PMID:33915609). The variant was found to segregate with disease in at least one affected family (PMID:33915609). It is absent or not present at a significant frequency in gnomAD. In conclusion, we classify GLA c.635_639+8del as a pathogenic variant.

Literature cited by the submitters: PubMed 33915609.